The following is an entry in ClinVar:

NM_002878.4(RAD51D):c.121C>T (p.Gln41Ter)

Genes: RAD51L3-RFFL (RAD51L3-RFFL readthrough; minus strand), RAD51D (RAD51 paralog D; minus strand). Cytogenetic location: 17q12.
Variant type: single nucleotide variant.
Coding change: c.121C>T on transcript NM_002878.4 (MANE Select); coding-DNA position 121, C replaced by T.
Protein change: p.Gln41Ter; replaces glutamine 41 with a stop codon.
Molecular consequence: nonsense. On other transcripts: non-coding transcript variant (2).
Genome position (GRCh38, 1-based): chr17:35,119,134, G>A on the plus strand (C>T on the coding strand, the complement: RAD51D is on the minus strand). VCF-style: chr17-35119134-G-A. GRCh37 (hg19) VCF-style: chr17-33446153-G-A.
Other names: c.121C>T, p.Gln41Ter (NM_001142571.2, NM_133629.3); short protein forms Q41*.
Identifiers: ClinVar variation 1451423 (VCV001451423.7), dbSNP rs2142477410, ClinGen allele CA399091856.

ClinVar aggregate classification (germline): Pathogenic. Review status: criteria provided, multiple submitters, no conflicts (2 of 4 stars). 2 submissions from 2 submitters: Pathogenic (2). Last evaluated 2024-01-04.

Conditions:
Breast-ovarian cancer, familial, susceptibility to, 4. Identifiers: Orphanet 145, MedGen C3280345, MONDO:0013669, OMIM 614291.

Submissions (2):

Myriad Genetics, Inc.
Classification: Pathogenic for Breast-ovarian cancer, familial, susceptibility to, 4. Last evaluated: 2024-01-04. Review status: criteria provided, single submitter. Criteria: Myriad Autosomal Dominant, Autosomal Recessive and X-Linked Classification Criteria (2023). Collection method: clinical testing. Allele origin: unknown.
Comment: This variant is considered pathogenic. This variant creates a termination codon and is predicted to result in premature protein truncation.

Labcorp Genetics (formerly Invitae), Labcorp
Classification: Pathogenic for Breast-ovarian cancer, familial, susceptibility to, 4. Last evaluated: 2021-05-08. Review status: criteria provided, single submitter. Criteria: Invitae Variant Classification Sherloc (09022015). Collection method: clinical testing. Allele origin: germline.
Comment: For these reasons, this variant has been classified as Pathogenic. This variant has not been reported in the literature in individuals with RAD51D-related conditions. This variant is not present in population databases (ExAC no frequency). This sequence change creates a premature translational stop signal (p.Gln41*) in the RAD51D gene. It is expected to result in an absent or disrupted protein product. Loss-of-function variants in RAD51D are known to be pathogenic (PMID: 21822267).

Literature cited by the submitters: PubMed 21822267 (cited by Labcorp Genetics (formerly Invitae), Labcorp).